The following is an entry in ClinVar:

NM_198904.4(GABRG2):c.*15T>C

Gene: GABRG2 (gamma-aminobutyric acid type A receptor subunit gamma2; plus strand). Cytogenetic location: 5q34.
Variant type: single nucleotide variant.
Coding change: c.*15T>C on transcript NM_198904.4 (MANE Select); 15 bases downstream of the stop codon, T replaced by C.
Molecular consequence: 3 prime UTR variant.
Genome position (GRCh38, 1-based): chr5:162,153,383, T>C. VCF-style: chr5-162153383-T-C. GRCh37 (hg19) VCF-style: chr5-161580389-T-C.
Other names: c.*15T>C (NM_001375342.1, NM_001375343.1, NM_001375344.1 and 10 more transcripts); c.*277T>C (NM_001375340.1).
Identifiers: ClinVar variation 1210882 (VCV001210882.4), dbSNP rs780936760, ClinGen allele CA3545002.

ClinVar aggregate classification (germline): Conflicting classifications of pathogenicity. Review status: criteria provided, conflicting classifications (1 of 4 stars). 2 submissions from 2 submitters: Uncertain significance (1); Likely benign (1). Last evaluated 2026-06-10.

Allele frequency attached by ClinVar (database versions not stated): ExAC 0.00003; gnomAD exomes 0.00004 and 0.00007; gnomAD 0.00009 and 0.00011; TOPMed 0.00020.
gnomAD v4.1: 119 of 1,613,500 alleles (0.0074%); highest among the groups gnomAD compares: Admixed American, 0.028%; no homozygotes.

Submissions (2):

Women's Health and Genetics/Laboratory Corporation of America, LabCorp
Classification: Uncertain significance. Last evaluated: 2026-06-10. Review status: criteria provided, single submitter. Criteria: LabCorp Variant Classification Summary - May 2015. Collection method: clinical testing. Allele origin: germline.
Comment: Variant summary: GABRG2 c.*15T>C is located in the untranslated mRNA region downstream of the termination codon. The variant allele was found at a frequency of 3.6e-05 in 251286 control chromosomes. The available data on variant occurrences in the general population are insufficient to allow any conclusion about variant significance. To our knowledge, no occurrence of c.*15T>C in individuals affected with GABRG2-related conditions and no experimental evidence demonstrating its impact on protein function have been reported. ClinVar contains an entry for this variant (Variation ID: 1210882). Based on the evidence outlined above, the variant was classified as uncertain significance.

GeneDx
Classification: Likely benign. Last evaluated: 2017-08-28. Review status: criteria provided, single submitter. Criteria: GeneDx Variant Classification Process June 2021. Collection method: clinical testing. Allele origin: germline. Affected: yes.